The following is an entry in ClinVar:

ClinVar aggregate classification (germline): Uncertain significance (1 of 4 stars; one submission).

Conditions:
Norman-Roberts syndrome (LIS2). Also called: Lissencephaly 2 (Norman-Roberts type). Identifiers: Orphanet 89844, MedGen C0796089, MONDO:0009760, OMIM 257320.
Familial temporal lobe epilepsy 7. Identifiers: Orphanet 101046, MedGen C4225327, MONDO:0014639, OMIM 616436.

Submission:

Labcorp Genetics (formerly Invitae), Labcorp
Classification: Uncertain significance for Familial temporal lobe epilepsy 7; Norman-Roberts syndrome. Last evaluated: 2023-04-09. Review status: criteria provided, single submitter. Criteria: Invitae Variant Classification Sherloc (09022015). Collection method: clinical testing. Allele origin: germline.
Comment: This sequence change replaces histidine, which is basic and polar, with arginine, which is basic and polar, at codon 2459 of the RELN protein (p.His2459Arg). In summary, the available evidence is currently insufficient to determine the role of this variant in disease. Therefore, it has been classified as a Variant of Uncertain Significance. Advanced modeling of protein sequence and biophysical properties (such as structural, functional, and spatial information, amino acid conservation, physicochemical variation, residue mobility, and thermodynamic stability) performed at Invitae indicates that this missense variant is not expected to disrupt RELN protein function. This variant has not been reported in the literature in individuals affected with RELN-related conditions. This variant is not present in population databases (gnomAD no frequency).

NM_005045.4(RELN):c.7376A>G (p.His2459Arg)

Gene: RELN (reelin; minus strand). Cytogenetic location: 7q22.1.
Variant type: single nucleotide variant.
Coding change: c.7376A>G on transcript NM_005045.4 (MANE Select); coding-DNA position 7376, A replaced by G.
Protein change: p.His2459Arg; replaces histidine 2459 with arginine.
Molecular consequence: missense variant.
Genome position (GRCh38, 1-based): chr7:103,523,505, T>C on the plus strand (A>G on the coding strand, the complement: RELN is on the minus strand). VCF-style: chr7-103523505-T-C. GRCh37 (hg19) VCF-style: chr7-103163952-T-C.
Other names: c.7376A>G, p.His2459Arg (NM_173054.3); short protein forms H2459R.
Identifiers: ClinVar variation 2933434 (VCV002933434.3), dbSNP rs2484756300, ClinGen allele CA368767932.
Genomic context (GRCh38, chr7:103,523,505, plus strand): 5'-TCCCCGATATAGACATTATCTATTGCCCATGTCTGCTGCTTGTCAAAAGGAGCTGGTTGA[T>C]GCCAACGGAAACGAGTGGCTTGGGACCTTTGAAGAAGATGAGAATTTTAATGAAGGATGC-3'
Protein context (NP_005036.2, residues 2449-2469): TRSQATRFRW[His2459Arg]QPAPFDKQQT